The following is an entry in ClinVar:

NM_000059.4(BRCA2):c.2553C>A (p.Phe851Leu)

Gene: BRCA2 (BRCA2 DNA repair associated; plus strand). Cytogenetic location: 13q13.1.
Variant type: single nucleotide variant.
Coding change: c.2553C>A on transcript NM_000059.4 (MANE Select); coding-DNA position 2553, C replaced by A.
Protein change: p.Phe851Leu; replaces phenylalanine 851 with leucine.
Molecular consequence: missense variant. On other transcripts: non-coding transcript variant (1), intron variant (2).
Genome position (GRCh38, 1-based): chr13:32,336,908, C>A. VCF-style: chr13-32336908-C-A. GRCh37 (hg19) VCF-style: chr13-32911045-C-A.
Other names: c.2553C>A, p.Phe851Leu (NM_001406719.1, NM_001406720.1); c.1909+3521C>A (NM_001406721.1); c.424+5878C>A (NM_001406722.1); short protein forms F851L.
Identifiers: ClinVar variation 2672538 (VCV002672538.23), dbSNP rs2072460002, ClinGen allele CA387772529.

ClinVar aggregate classification (germline): Uncertain significance (1 of 4 stars; one submission).

gnomAD v4.1: 1 of 1,607,778 alleles (0.000062%); highest among the groups gnomAD compares: South Asian, 0.0011%; no homozygotes.

Submission:

CeGaT Center for Human Genetics Tuebingen
Classification: Uncertain significance. Last evaluated: 2023-11-01. Review status: criteria provided, single submitter. Criteria: CeGaT Center For Human Genetics Tuebingen Variant Classification Criteria Version 2. Collection method: clinical testing. Allele origin: germline. Affected: yes. Observed: 1 variant allele.
Comment: BRCA2: PM2, BP4